The following is an entry in ClinVar:

ClinVar aggregate classification (germline): Uncertain significance. Review status: criteria provided, multiple submitters, no conflicts (2 of 4 stars). 2 submissions from 2 submitters: Uncertain significance (2). Last evaluated 2024-10-20.

Conditions:
Inborn genetic diseases. Identifiers: MedGen C0950123, MeSH D030342.
Glycogen storage disease due to muscle and heart glycogen synthase deficiency. Also called: GSD 0b; MUSCLE GLYCOGEN SYNTHASE DEFICIENCY. Identifiers: Orphanet 137625, MedGen C1969054, MONDO:0012693, OMIM 611556.

Allele frequency attached by ClinVar (database versions not stated): gnomAD 0.00001; gnomAD exomes 0.00002 and 0.00003; TOPMed 0.00002.
gnomAD v4.1: 55 of 1,544,740 alleles (0.0036%); highest among the groups gnomAD compares: Non-Finnish European, 0.0038%; no homozygotes.

Submissions (2):

Ambry Genetics
Classification: Uncertain significance for Inborn genetic diseases. Last evaluated: 2024-10-20. Review status: criteria provided, single submitter. Criteria: Ambry Variant Classification Scheme 2023. Collection method: clinical testing. Allele origin: germline.

Labcorp Genetics (formerly Invitae), Labcorp
Classification: Uncertain significance for Glycogen storage disease due to muscle and heart glycogen synthase deficiency. Last evaluated: 2023-10-22. Review status: criteria provided, single submitter. Criteria: Invitae Variant Classification Sherloc (09022015). Collection method: clinical testing. Allele origin: germline.
Comment: This sequence change replaces glutamic acid, which is acidic and polar, with lysine, which is basic and polar, at codon 670 of the GYS1 protein (p.Glu670Lys). This variant is present in population databases (no rsID available, gnomAD 0.006%). This variant has not been reported in the literature in individuals affected with GYS1-related conditions. ClinVar contains an entry for this variant (Variation ID: 1009397). An algorithm developed to predict the effect of missense changes on protein structure and function (PolyPhen-2) suggests that this variant is likely to be tolerated. In summary, the available evidence is currently insufficient to determine the role of this variant in disease. Therefore, it has been classified as a Variant of Uncertain Significance.

NM_002103.5(GYS1):c.2008G>A (p.Glu670Lys)

Gene: GYS1 (glycogen synthase 1; minus strand). Cytogenetic location: 19q13.33.
Variant type: single nucleotide variant.
Coding change: c.2008G>A on transcript NM_002103.5 (MANE Select); coding-DNA position 2008, G replaced by A.
Protein change: p.Glu670Lys; replaces glutamic acid 670 with lysine.
Molecular consequence: missense variant. On other transcripts: non-coding transcript variant (1).
Genome position (GRCh38, 1-based): chr19:48,969,494, C>T on the plus strand (G>A on the coding strand, the complement: GYS1 is on the minus strand). VCF-style: chr19-48969494-C-T. GRCh37 (hg19) VCF-style: chr19-49472751-C-T.
Other names: c.1816G>A, p.Glu606Lys (NM_001161587.2); c.2008G>A (NM_002103.4); short protein forms E606K, E670K.
Identifiers: ClinVar variation 1009397 (VCV001009397.9), dbSNP rs1177489919, ClinGen allele CA406759412.